The following is an entry in ClinVar:

ClinVar aggregate classification (germline): Uncertain significance. Review status: criteria provided, multiple submitters, no conflicts (2 of 4 stars). 3 submissions from 3 submitters: Uncertain significance (3). Last evaluated 2025-08-09.

Conditions:
Inborn genetic diseases. Identifiers: MedGen C0950123, MeSH D030342.
Charcot-Marie-Tooth disease type 4. Also called: Charcot-Marie-Tooth disease, type IV; Charcot-Marie-Tooth, Type 4. Identifiers: Orphanet 64749, MedGen C4082197, MONDO:0018995.

Allele frequency attached by ClinVar (database versions not stated): TOPMed 0.00006; gnomAD 0.00010.
gnomAD v4.1: 360 of 1,613,630 alleles (0.022%); highest among the groups gnomAD compares: Non-Finnish European, 0.029%; no homozygotes.

Submissions (3):

Ambry Genetics
Classification: Uncertain significance for Inborn genetic diseases. Last evaluated: 2025-08-09. Review status: criteria provided, single submitter. Criteria: Ambry Variant Classification Scheme 2023. Collection method: clinical testing. Allele origin: germline.

GeneDx
Classification: Uncertain significance. Last evaluated: 2024-10-30. Review status: criteria provided, single submitter. Criteria: GeneDx Variant Classification Process June 2021. Collection method: clinical testing. Allele origin: germline. Affected: yes.
Comment: Not observed at significant frequency in large population cohorts (gnomAD); In silico analysis supports that this missense variant has a deleterious effect on protein structure/function; Has not been previously published as pathogenic or benign to our knowledge; This variant is associated with the following publications: (PMID: 22734899)

Labcorp Genetics (formerly Invitae), Labcorp
Classification: Uncertain significance for Charcot-Marie-Tooth disease type 4. Last evaluated: 2022-09-07. Review status: criteria provided, single submitter. Criteria: Invitae Variant Classification Sherloc (09022015). Collection method: clinical testing. Allele origin: germline.
Comment: This sequence change replaces proline, which is neutral and non-polar, with histidine, which is basic and polar, at codon 571 of the FGD4 protein (p.Pro571His). This variant is present in population databases (rs145071617, gnomAD 0.01%). This variant has not been reported in the literature in individuals affected with FGD4-related conditions. ClinVar contains an entry for this variant (Variation ID: 245723). Algorithms developed to predict the effect of missense changes on protein structure and function are either unavailable or do not agree on the potential impact of this missense change (SIFT: "Deleterious"; PolyPhen-2: "Benign"; Align-GVGD: "Class C15"). In summary, the available evidence is currently insufficient to determine the role of this variant in disease. Therefore, it has been classified as a Variant of Uncertain Significance.

NM_001370298.3(FGD4):c.2123C>A (p.Pro708His)

Gene: FGD4 (FYVE, RhoGEF and PH domain containing 4; plus strand). Cytogenetic location: 12p11.21.
Variant type: single nucleotide variant.
Coding change: c.2123C>A on transcript NM_001370298.3 (MANE Select); coding-DNA position 2123, C replaced by A.
Protein change: p.Pro708His; replaces proline 708 with histidine.
Molecular consequence: missense variant.
Genome position (GRCh38, 1-based): chr12:32,625,730, C>A. VCF-style: chr12-32625730-C-A. GRCh37 (hg19) VCF-style: chr12-32778664-C-A.
Other names: c.1967C>A, p.Pro656His (NM_001304481.2); c.968C>A, p.Pro323His (NM_001304483.2); c.680C>A, p.Pro227His (NM_001304484.2); c.1433C>A, p.Pro478His (NM_001330373.2, NM_001330374.2, NM_001384130.1); c.1160C>A, p.Pro387His (NM_001370297.1); c.2123C>A, p.Pro708His (NM_001384126.1); c.1712C>A, p.Pro571His (NM_001384127.1, NM_001384128.1, NM_001385118.1 and 1 more transcripts); short protein forms P571H, P656H, P387H, P227H, P323H, P478H, P708H.
Identifiers: ClinVar variation 245723 (VCV000245723.11), dbSNP rs145071617, ClinGen allele CA6506989.